The following is an entry in ClinVar:

NM_001367949.2(FAT3):c.7376A>G (p.Gln2459Arg)

Gene: FAT3 (FAT atypical cadherin 3; plus strand). Cytogenetic location: 11q14.3.
Variant type: single nucleotide variant.
Coding change: c.7376A>G on transcript NM_001367949.2 (MANE Select); coding-DNA position 7376, A replaced by G.
Protein change: p.Gln2459Arg; replaces glutamine 2459 with arginine.
Molecular consequence: missense variant.
Genome position (GRCh38, 1-based): chr11:92,800,389, A>G. VCF-style: chr11-92800389-A-G. GRCh37 (hg19) VCF-style: chr11-92533555-A-G.
Other names: c.7376A>G, p.Gln2459Arg (NM_001008781.3); c.7376A>G (NM_001008781.2); short protein forms Q2459R.
Identifiers: ClinVar variation 2642275 (VCV002642275.25), dbSNP rs118056487, ClinGen allele CA6227446.

ClinVar aggregate classification (germline): Likely benign. Review status: criteria provided, single submitter (1 of 4 stars). 2 submissions from 2 submitters: Likely benign (1). 1 of the submissions does not count toward it. Last evaluated 2023-03-01.

Conditions:
FAT3-related disorder. Also called: FAT3-related condition.

Allele frequency attached by ClinVar (database versions not stated): 1000 Genomes Project 0.00140; 1000 Genomes Project 30x 0.00141; ExAC 0.00316; gnomAD 0.00321; gnomAD exomes 0.00517; TOPMed 0.00350; ESP Exome Variant Server 0.00444.
gnomAD v4.1: 7,941 of 1,614,004 alleles (0.49%); highest among the groups gnomAD compares: Non-Finnish European, 0.62%; 24 homozygotes.

Submissions (2):

CeGaT Center for Human Genetics Tuebingen
Classification: Likely benign. Last evaluated: 2023-03-01. Review status: criteria provided, single submitter. Criteria: CeGaT Center For Human Genetics Tuebingen Variant Classification Criteria Version 2. Collection method: clinical testing. Allele origin: germline. Affected: yes. Observed: 4 variant alleles.
Comment: FAT3: BS2

PreventionGenetics, part of Exact Sciences
Classification: Likely benign for FAT3-related condition. Last evaluated: 2023-02-22. Review status: no assertion criteria provided. Collection method: clinical testing. Allele origin: germline. Not counted in ClinVar's aggregate classification.
Comment: This variant is classified as likely benign based on ACMG/AMP sequence variant interpretation guidelines (Richards et al. 2015 PMID: 25741868, with internal and published modifications).